The following is an entry in ClinVar:

NM_181486.4(TBX5):c.980A>G (p.Lys327Arg)

Gene: TBX5 (T-box transcription factor 5; minus strand). Cytogenetic location: 12q24.21.
Variant type: single nucleotide variant.
Coding change: c.980A>G on transcript NM_181486.4 (MANE Select); coding-DNA position 980, A replaced by G.
Protein change: p.Lys327Arg; replaces lysine 327 with arginine.
Molecular consequence: missense variant.
Genome position (GRCh38, 1-based): chr12:114,366,167, T>C on the plus strand (A>G on the coding strand, the complement: TBX5 is on the minus strand). VCF-style: chr12-114366167-T-C. GRCh37 (hg19) VCF-style: chr12-114803972-T-C.
Other names: c.980A>G, p.Lys327Arg (NM_000192.3); c.830A>G, p.Lys277Arg (NM_080717.4); short protein forms K277R, K327R.
Identifiers: ClinVar variation 3687114 (VCV003687114.2).

ClinVar aggregate classification (germline): Uncertain significance (1 of 4 stars; one submission).

Conditions:
Aortic valve disease 2 (AOVD2). Identifiers: MedGen C3542024, MONDO:0013902, OMIM 614823.

gnomAD v4.1: 6 of 1,614,052 alleles (0.00037%); highest among the groups gnomAD compares: Admixed American, 0.01%; no homozygotes.

Submission:

Labcorp Genetics (formerly Invitae), Labcorp
Classification: Uncertain significance for Aortic valve disease 2. Last evaluated: 2024-06-30. Review status: criteria provided, single submitter. Criteria: Invitae Variant Classification Sherloc (09022015). Collection method: clinical testing. Allele origin: germline.
Comment: This sequence change replaces lysine, which is basic and polar, with arginine, which is basic and polar, at codon 327 of the TBX5 protein (p.Lys327Arg). This variant is present in population databases (no rsID available, gnomAD 0.003%). This variant has not been reported in the literature in individuals affected with TBX5-related conditions. An algorithm developed to predict the effect of missense changes on protein structure and function (PolyPhen-2) suggests that this variant is likely to be disruptive. In summary, the available evidence is currently insufficient to determine the role of this variant in disease. Therefore, it has been classified as a Variant of Uncertain Significance.